The following is an entry in ClinVar:

NM_032447.5(FBN3):c.5413+9G>A

Gene: FBN3 (fibrillin 3; minus strand). Cytogenetic location: 19p13.2.
Variant type: single nucleotide variant.
Coding change: c.5413+9G>A on transcript NM_032447.5 (MANE Select); 9 bases into the intron after coding-DNA position 5413, G replaced by A.
Molecular consequence: intron variant.
Genome position (GRCh38, 1-based): chr19:8,096,872, C>T on the plus strand (G>A on the coding strand, the complement: FBN3 is on the minus strand). VCF-style: chr19-8096872-C-T. GRCh37 (hg19) VCF-style: chr19-8161756-C-T.
Other names: c.5413+9G>A (NM_001321431.2, NM_001321431.1).
Identifiers: ClinVar variation 1661047 (VCV001661047.11), dbSNP rs201174567, ClinGen allele CA9151673.

ClinVar aggregate classification (germline): Likely benign. Review status: criteria provided, multiple submitters, no conflicts (2 of 4 stars). 3 submissions from 3 submitters: Likely benign (2). 1 of the submissions does not count toward it. Last evaluated 2026-01-27.

Conditions:
FBN3-related disorder. Also called: FBN3-related condition.

Allele frequency attached by ClinVar (database versions not stated): ESP Exome Variant Server 0.00015; ExAC 0.00027; gnomAD 0.00028 and 0.00029; gnomAD exomes 0.00031.
gnomAD v4.1: 539 of 1,612,216 alleles (0.033%); highest among the groups gnomAD compares: Middle Eastern, 1.3%; no homozygotes.

Submissions (3):

Labcorp Genetics (formerly Invitae), Labcorp
Classification: Likely benign. Last evaluated: 2026-01-27. Review status: criteria provided, single submitter. Criteria: Invitae Variant Classification Sherloc (09022015). Collection method: clinical testing. Allele origin: germline.

Breakthrough Genomics
Classification: Likely benign. Review status: criteria provided, single submitter. Criteria: ACMG Guidelines, 2015. Collection method: not provided. Allele origin: germline. Inheritance: Unknown mechanism. Affected: yes.

PreventionGenetics, part of Exact Sciences
Classification: Likely benign for FBN3-related condition. Last evaluated: 2019-05-23. Review status: no assertion criteria provided. Collection method: clinical testing. Allele origin: germline. Not counted in ClinVar's aggregate classification.
Comment: This variant is classified as likely benign based on ACMG/AMP sequence variant interpretation guidelines (Richards et al. 2015 PMID: 25741868, with internal and published modifications).